The following is an entry in ClinVar:

NM_001130987.2(DYSF):c.706C>T (p.Arg236Ter)

Gene: DYSF (dysferlin; plus strand). Cytogenetic location: 2p13.2.
Variant type: single nucleotide variant.
Coding change: c.706C>T on transcript NM_001130987.2 (MANE Select); coding-DNA position 706, C replaced by T.
Protein change: p.Arg236Ter; replaces arginine 236 with a stop codon.
Molecular consequence: nonsense.
Genome position (GRCh38, 1-based): chr2:71,513,868, C>T. VCF-style: chr2-71513868-C-T. GRCh37 (hg19) VCF-style: chr2-71740998-C-T.
Other names: NM_001130987.2(DYSF):c.706C>T; p.Arg236Ter; c.613C>T, p.Arg205Ter (NM_001130455.2, NM_001130983.2, NM_001130984.2 and 1 more transcripts); c.610C>T, p.Arg204Ter (NM_001130976.2, NM_001130977.2, NM_001130978.2 and 1 more transcripts); c.703C>T, p.Arg235Ter (NM_001130979.2, NM_001130980.2, NM_001130981.2); c.706C>T, p.Arg236Ter (NM_001130982.2, NM_001130985.2); short protein forms R204*, R236*, R205*, R235*.
Identifiers: ClinVar variation 94352 (VCV000094352.35), dbSNP rs373585652, ClinGen allele CA222201.

ClinVar aggregate classification (germline): Pathogenic. Review status: reviewed by expert panel (3 of 4 stars). 12 submissions from 12 submitters: Pathogenic (1). 11 of the submissions do not count toward it. Last evaluated 2025-07-08.

Conditions:
Autosomal recessive limb-girdle muscular dystrophy. Identifiers: Orphanet 102015, MedGen C2931907, MONDO:0015152.
Neuromuscular disease caused by qualitative or quantitative defects of dysferlin. Also called: Dysferlinopathy; Qualitative or quantitative defects of dysferlin. Identifiers: Orphanet 207073, MedGen C2931687, MONDO:0016145.
Autosomal recessive limb-girdle muscular dystrophy type 2B (LGMDR2). Also called: MUSCULAR DYSTROPHY, LIMB-GIRDLE, TYPE 3; Limb-girdle muscular dystrophy, type 2B; Limb-Girdle Muscular Dystrophy Type 2B (LGMD2B); MUSCULAR DYSTROPHY, LIMB-GIRDLE, AUTOSOMAL RECESSIVE 2. Identifiers: Orphanet 268, MedGen C1850889, MONDO:0009676, OMIM 253601.
Miyoshi muscular dystrophy 1 (MMD1). Identifiers: Orphanet 45448, MedGen C4551973, MONDO:0024545, OMIM 254130.

Allele frequency attached by ClinVar (database versions not stated): TOPMed 0.00002; ESP Exome Variant Server 0.00008.
gnomAD v4.1: 10 of 1,614,088 alleles (0.00062%); highest among the groups gnomAD compares: Admixed American, 0.0017%; no homozygotes.

Submissions (12):

ClinGen Limb Girdle Muscular Dystrophy Variant Curation Expert Panel, ClinGen
Classification: Pathogenic for Autosomal recessive limb-girdle muscular dystrophy. Last evaluated: 2025-07-08. Review status: reviewed by expert panel. Criteria: ClinGen LGMD VCEP ACMG Specifications DYSF V1.0.0. Collection method: curation. Allele origin: germline. Inheritance: Autosomal recessive inheritance.
Comment: The NM_003494.4: c.610C>T p.(Arg204Ter) variant in DYSF, which is also known as NM_001130987.2: c.706C>T p.(Arg236Ter), is a nonsense variant predicted to cause a premature stop codon in biologically relevant exon 6/55, leading to nonsense mediated decay in a gene in which loss of function is an established disease mechanism (PVS1). At least one of these patients had a clinical diagnosis of LGMD (Miyoshi myopathy) and severely reduced dysferlin protein expression in skeletal muscle, which is highly specific for DYSF-related LGMD (PP4_Strong; PMID: 18853459). The filtering allele frequency of this variant in gnomAD v4.1.0 exomes is 0.00006973 (the upper threshold of the 95% CI of 3/1111878 European (non-Finnish) chromosomes), which is less than the ClinGen LGMD VCEP threshold (≤0.0001) (PM2_Supporting). In summary, this variant meets the criteria to be classified as Pathogenic for autosomal recessive limb girdle muscular dystrophy based on the ACMG/AMP criteria applied, as specified by the ClinGen LGMD VCEP (LGMD VCEP specifications version 1.0.0; 07/08/2025): PVS1, PM3, PP4_Strong, PM2_Supporting.

Labcorp Genetics (formerly Invitae), Labcorp
Classification: Pathogenic for Neuromuscular disease caused by qualitative or quantitative defects of dysferlin. Last evaluated: 2025-12-06. Review status: criteria provided, single submitter. Criteria: Invitae Variant Classification Sherloc (09022015). Collection method: clinical testing. Allele origin: germline. Not counted in ClinVar's aggregate classification.
Comment: This sequence change creates a premature translational stop signal (p.Arg204*) in the DYSF gene. It is expected to result in an absent or disrupted protein product. Loss-of-function variants in DYSF are known to be pathogenic (PMID: 17698709, 20301480). This variant is present in population databases (rs373585652, gnomAD 0.003%). This premature translational stop signal has been observed in individuals with dysferlinopathies (PMID: 16010686, 18853459, 20544924, 21816046, 23243261, 25135358, 27647186). ClinVar contains an entry for this variant (Variation ID: 94352). For these reasons, this variant has been classified as Pathogenic.

Mayo Clinic Laboratories, Mayo Clinic
Classification: Pathogenic. Last evaluated: 2025-09-16. Review status: criteria provided, single submitter. Criteria: ACMG Guidelines, 2015. Collection method: clinical testing. Allele origin: germline. Observed: 1 variant allele. Not counted in ClinVar's aggregate classification.
Comment: PP4, PM2_supporting, PM3_very_strong, PVS1

Natera, Inc.
Classification: Pathogenic for Limb-girdle muscular dystrophy type 2B. Last evaluated: 2025-08-28. Review status: criteria provided, single submitter. Criteria: Natera Variant Classification Schema (03/2026). Collection method: clinical testing. Allele origin: germline. Not counted in ClinVar's aggregate classification.
Comment: The c.610C>T variant in DYSF is a nonsense variant predicted to introduce a stop codon at amino acid 204. This variant is expected to result in nonsense mediated decay, truncation, or a dysfunctional protein product. This variant is rare in the general population with a frequency below the threshold expected for the associated phenotype(s). This variant has been observed in one or more individuals affected with the associated recessive disease, as either homozygous or compound heterozygous with a second variant (PMID: 18853459). Given the available evidence, this variant is classified as Pathogenic.

3billion
Classification: Pathogenic for Autosomal recessive limb-girdle muscular dystrophy type 2B. Last evaluated: 2024-09-29. Review status: criteria provided, single submitter. Criteria: ACMG Guidelines, 2015. Collection method: clinical testing. Allele origin: germline. Affected: yes. Not counted in ClinVar's aggregate classification.
Comment: The variant is observed at an extremely low frequency in the gnomAD v4.1.0 dataset (total allele frequency: <0.001%). Predicted Consequence/Location: Stop-gained (nonsense): predicted to result in a loss or disruption of normal protein function through nonsense-mediated decay (NMD) or protein truncation. Multiple pathogenic variants are reported downstream of the variant. The variant has been observed in multiple (>3) similarly affected unrelated individuals (PMID: 16010686, 18853459, 20544924, 21816046, 23243261, 25135358, 27647186). The variant has been reported at least twice as pathogenic with clinical assertions and evidence for the classification (ClinVar ID: VCV000094352 /PMID: 16010686 /3billion dataset). Therefore, this variant is classified as Pathogenic according to the recommendation of ACMG/AMP guideline.

Revvity Omics, Revvity
Classification: Pathogenic. Last evaluated: 2024-09-24. Review status: criteria provided, single submitter. Criteria: ACMG Guidelines, 2015. Collection method: clinical testing. Allele origin: germline. Not counted in ClinVar's aggregate classification.

Baylor Genetics
Classification: Pathogenic for Miyoshi muscular dystrophy 1. Last evaluated: 2024-02-13. Review status: criteria provided, single submitter. Criteria: ACMG Guidelines, 2015. Collection method: clinical testing. Allele origin: unknown. Not counted in ClinVar's aggregate classification.

Women's Health and Genetics/Laboratory Corporation of America, LabCorp
Classification: Pathogenic for Autosomal recessive limb-girdle muscular dystrophy. Last evaluated: 2023-01-19. Review status: criteria provided, single submitter. Criteria: LabCorp Variant Classification Summary - May 2015. Collection method: clinical testing. Allele origin: germline. Not counted in ClinVar's aggregate classification.
Comment: Variant summary: DYSF c.610C>T (p.Arg204X) results in a premature termination codon, predicted to cause a truncation of the encoded protein or absence of the protein due to nonsense mediated decay, which are commonly known mechanisms for disease. Truncations downstream of this position have been classified as pathogenic by our laboratory. The variant allele was found at a frequency of 8e-06 in 251480 control chromosomes (gnomAD). c.610C>T has been reported in the literature in multiple individuals affected with dysferlinopathy and autosomal recessive Limb-Girdle Muscular Dystrophy (e.g. Rosales_2010, Takahashi_2013, Harris_2016). These data indicate that the variant is very likely to be associated with disease. Six ClinVar submitters (evaluation after 2014) cite the variant as pathogenic. Based on the evidence outlined above, the variant was classified as pathogenic.

Athena Diagnostics
Classification: Pathogenic. Last evaluated: 2018-03-28. Review status: criteria provided, single submitter. Criteria: Athena Diagnostics Criteria. Collection method: clinical testing. Allele origin: germline. Not counted in ClinVar's aggregate classification.

Eurofins Ntd Llc (ga)
Classification: Pathogenic. Last evaluated: 2016-10-26. Review status: criteria provided, single submitter. Criteria: EGL Classification Definitions. Collection method: clinical testing. Allele origin: germline. Observed: 7 variant alleles, 4 heterozygotes, 3 homozygotes. Not counted in ClinVar's aggregate classification.

Juno Genomics, Hangzhou Juno Genomics, Inc
Classification: Pathogenic for Miyoshi muscular dystrophy 1. Review status: criteria provided, single submitter. Criteria: ACMG Guidelines, 2015. Collection method: clinical testing. Allele origin: germline. Not counted in ClinVar's aggregate classification.
Comment: Absent from controls (or at extremely low frequency if recessive) in Genome Aggregation Database.;Null variant in a gene where loss of function (LOF) is a known mechanism of disease.;For recessive disorders, detected in trans with a pathogenic variant.

Counsyl
Classification: Pathogenic for Autosomal recessive limb-girdle muscular dystrophy type 2B. Last evaluated: 2016-11-02. Review status: no assertion criteria provided. Collection method: clinical testing. Allele origin: unknown. Not counted in ClinVar's aggregate classification.

Literature cited by the submitters: PubMed 17698709 (cited by Labcorp Genetics (formerly Invitae), Labcorp); PubMed 20301480 (cited by Labcorp Genetics (formerly Invitae), Labcorp); PubMed 16010686 (cited by 5 submitters); PubMed 18853459 (cited by 3 submitters); PubMed 20544924 (cited by 5 submitters); PubMed 21816046 (cited by 3 submitters); PubMed 23243261 (cited by 5 submitters); PubMed 25135358 (cited by 3 submitters); PubMed 27647186 (cited by 3 submitters); PubMed 22297152 (cited by Mayo Clinic Laboratories, Mayo Clinic and Athena Diagnostics); PubMed 27602406 (cited by Mayo Clinic Laboratories, Mayo Clinic and Women's Health and Genetics/Laboratory Corporation of America, LabCorp); PubMed 30564623 (cited by Mayo Clinic Laboratories, Mayo Clinic); PubMed 32400077 (cited by Mayo Clinic Laboratories, Mayo Clinic); PubMed 33215690 (cited by Mayo Clinic Laboratories, Mayo Clinic); PubMed 33610434 (cited by Mayo Clinic Laboratories, Mayo Clinic); PubMed 33927379 (cited by Mayo Clinic Laboratories, Mayo Clinic); PubMed 34559919 (cited by Mayo Clinic Laboratories, Mayo Clinic).